The following is an entry in ClinVar:

NM_002661.5(PLCG2):c.2055-9_2055-8delinsTC

Gene: PLCG2 (phospholipase C gamma 2; plus strand). Cytogenetic location: 16q23.3.
Variant type: Indel.
Coding change: c.2055-9_2055-8delinsTC on transcript NM_002661.5 (MANE Select); 9 bases into the intron before coding-DNA position 2055 through 8 bases into the intron before coding-DNA position 2055, CT replaced by TC.
Molecular consequence: intron variant.
Genome position (GRCh38, 1-based): chr16:81,919,475-81,919,476, CT replaced by TC. VCF-style: chr16-81919475-CT-TC. GRCh37 (hg19) VCF-style: chr16-81953080-CT-TC.
Other names: c.2055-9_2055-8delinsTC (NM_001425749.1, NM_001425750.1, NM_001425751.1).
Identifiers: ClinVar variation 3646825 (VCV003646825.2).

ClinVar aggregate classification (germline): Uncertain significance (1 of 4 stars; one submission).

Conditions:
Familial cold autoinflammatory syndrome 3 (FCAS3). Also called: FAMILIAL ATYPICAL COLD URTICARIA; ANTIBODY DEFICIENCY AND IMMUNE DYSREGULATION, PLCG2-ASSOCIATED. Identifiers: Orphanet 300359, MedGen C3280914, MONDO:0013766, OMIM 614468.

Submission:

Labcorp Genetics (formerly Invitae), Labcorp
Classification: Uncertain significance for Familial cold autoinflammatory syndrome 3. Last evaluated: 2024-04-16. Review status: criteria provided, single submitter. Criteria: Invitae Variant Classification Sherloc (09022015). Collection method: clinical testing. Allele origin: germline.
Comment: This sequence change falls in intron 19 of the PLCG2 gene. It does not directly change the encoded amino acid sequence of the PLCG2 protein. Information on the frequency of this variant in the gnomAD database is not available, as this variant may be reported differently in the database. This variant has not been reported in the literature in individuals affected with PLCG2-related conditions. In summary, the available evidence is currently insufficient to determine the role of this variant in disease. Therefore, it has been classified as a Variant of Uncertain Significance.